The following is an entry in ClinVar:

NM_016247.4(IMPG2):c.2993T>C (p.Ile998Thr)

Gene: IMPG2 (interphotoreceptor matrix proteoglycan 2; minus strand). Cytogenetic location: 3q12.3.
Variant type: single nucleotide variant.
Coding change: c.2993T>C on transcript NM_016247.4 (MANE Select); coding-DNA position 2993, T replaced by C.
Protein change: p.Ile998Thr; replaces isoleucine 998 with threonine.
Molecular consequence: missense variant.
Genome position (GRCh38, 1-based): chr3:101,242,717, A>G on the plus strand (T>C on the coding strand, the complement: IMPG2 is on the minus strand). VCF-style: chr3-101242717-A-G. GRCh37 (hg19) VCF-style: chr3-100961561-A-G.
Other names: short protein forms I998T.
Identifiers: ClinVar variation 1309494 (VCV001309494.2), dbSNP rs2107217972, ClinGen allele CA353853029.
Genomic context (GRCh38, chr3:101,242,717, plus strand): 5'-TAAGAAACCACCATGCTAGGCAATATCATACCTGATTCCACATCAAGAGAGTATTTATCA[A>G]TAGCCAAGTTCATGGTATTGTAGGCAGTGGTACAAAAGTCTTCCAGAATCATGTACACCG-3'
Protein context (NP_057331.2, residues 988-1008): TTAYNTMNLA[Ile998Thr]DKYSLDVESG

ClinVar aggregate classification (germline): Uncertain significance (1 of 4 stars; one submission).

Submission:

GeneDx
Classification: Uncertain significance. Last evaluated: 2019-11-08. Review status: criteria provided, single submitter. Criteria: GeneDx Variant Classification Process June 2021. Collection method: clinical testing. Allele origin: germline. Affected: yes.
Comment: Not observed in large population cohorts (Lek et al., 2016); In silico analysis, which includes protein predictors and evolutionary conservation, supports a deleterious effect; Has not been previously published as pathogenic or benign to our knowledge